The following is an entry in ClinVar:

ClinVar aggregate classification (germline): Uncertain significance (1 of 4 stars; one submission).

Conditions:
Hyperkalemic periodic paralysis. Also called: Familial hyperkalemic periodic paralysis; Gamstorp disease. Identifiers: Orphanet 682, MedGen C0238357, MONDO:0008224, OMIM 170500, HP:0007215.

Submission:

Labcorp Genetics (formerly Invitae), Labcorp
Classification: Uncertain significance for Hyperkalemic periodic paralysis. Last evaluated: 2024-05-25. Review status: criteria provided, single submitter. Criteria: Invitae Variant Classification Sherloc (09022015). Collection method: clinical testing. Allele origin: germline.
Comment: This sequence change replaces glycine, which is neutral and non-polar, with aspartic acid, which is acidic and polar, at codon 1012 of the SCN4A protein (p.Gly1012Asp). This variant is not present in population databases (gnomAD no frequency). This variant has not been reported in the literature in individuals affected with SCN4A-related conditions. Advanced modeling of protein sequence and biophysical properties (such as structural, functional, and spatial information, amino acid conservation, physicochemical variation, residue mobility, and thermodynamic stability) performed at Invitae indicates that this missense variant is not expected to disrupt SCN4A protein function with a negative predictive value of 80%. In summary, the available evidence is currently insufficient to determine the role of this variant in disease. Therefore, it has been classified as a Variant of Uncertain Significance.

NM_000334.4(SCN4A):c.3035G>A (p.Gly1012Asp)

Genes: GH-LCR (growth hormone locus control region; plus strand), SCN4A (sodium voltage-gated channel alpha subunit 4; minus strand). Cytogenetic location: 17q23.3.
Variant type: single nucleotide variant.
Coding change: c.3035G>A on transcript NM_000334.4 (MANE Select); coding-DNA position 3035, G replaced by A.
Protein change: p.Gly1012Asp; replaces glycine 1012 with aspartic acid.
Molecular consequence: missense variant.
Genome position (GRCh38, 1-based): chr17:63,948,720, C>T on the plus strand (G>A on the coding strand, the complement: SCN4A is on the minus strand). VCF-style: chr17-63948720-C-T. GRCh37 (hg19) VCF-style: chr17-62026080-C-T.
Other names: short protein forms G1012D.
Identifiers: ClinVar variation 3617079 (VCV003617079.2).